The following is an entry in ClinVar:

NM_032892.5(FRMD5):c.277C>T (p.Arg93Cys)

Gene: FRMD5 (FERM domain containing 5; minus strand). Cytogenetic location: 15q15.3.
Variant type: single nucleotide variant.
Coding change: c.277C>T on transcript NM_032892.5 (MANE Select); coding-DNA position 277, C replaced by T.
Protein change: p.Arg93Cys; replaces arginine 93 with cysteine.
Molecular consequence: missense variant. On other transcripts: 5 prime UTR variant (1), non-coding transcript variant (1).
Genome position (GRCh38, 1-based): chr15:43,919,511, G>A on the plus strand (C>T on the coding strand, the complement: FRMD5 is on the minus strand). VCF-style: chr15-43919511-G-A. GRCh37 (hg19) VCF-style: chr15-44211709-G-A.
Other names: c.10C>T, p.Arg4Cys (NM_001286490.2); c.-745C>T (NM_001286491.2); c.277C>T, p.Arg93Cys (NM_001322949.2, NM_001322950.2, NM_001411124.1); c.172C>T, p.Arg58Cys (NM_001322951.2); short protein forms R4C, R58C, R93C.
Identifiers: ClinVar variation 4871549 (VCV004871549.1).

ClinVar aggregate classification (germline): Uncertain significance (1 of 4 stars; one submission).

Conditions:
Inborn genetic diseases. Identifiers: MedGen C0950123, MeSH D030342.

Submission:

Ambry Genetics
Classification: Uncertain significance for Inborn genetic diseases. Last evaluated: 2026-03-27. Review status: criteria provided, single submitter. Criteria: Ambry Variant Classification Scheme 2023. Collection method: clinical testing. Allele origin: germline.
Comment: The c.277C>T (p.R93C) alteration is located in exon 4 (coding exon 4) of the FRMD5 gene. This alteration results from a C to T substitution at nucleotide position 277, causing the arginine (R) at amino acid position 93 to be replaced by a cysteine (C). Based on data from gnomAD, the T allele has an overall frequency of 0.003% (1/31384) total alleles studied. The highest observed frequency was 0.007% (1/15424) of European (non-Finnish) alleles. Based on insufficient or conflicting evidence, the clinical significance of this alteration remains unclear.